The following is an entry in ClinVar:

NM_000310.4(PPT1):c.49T>C (p.Trp17Arg)

Gene: PPT1 (palmitoyl-protein thioesterase 1; minus strand). Cytogenetic location: 1p34.2.
Variant type: single nucleotide variant.
Coding change: c.49T>C on transcript NM_000310.4 (MANE Select); coding-DNA position 49, T replaced by C.
Protein change: p.Trp17Arg; replaces tryptophan 17 with arginine.
Molecular consequence: missense variant.
Genome position (GRCh38, 1-based): chr1:40,097,190, A>G on the plus strand (T>C on the coding strand, the complement: PPT1 is on the minus strand). VCF-style: chr1-40097190-A-G. GRCh37 (hg19) VCF-style: chr1-40562862-A-G.
Other names: c.49T>C, p.Trp17Arg (NM_001142604.2, NM_001363695.2); short protein forms W17R.
Identifiers: ClinVar variation 1357427 (VCV001357427.3), dbSNP rs775853398, ClinGen allele CA789850.

ClinVar aggregate classification (germline): Uncertain significance (1 of 4 stars; one submission).

Conditions:
Neuronal ceroid lipofuscinosis 1 (CLN1). Also called: PPT1-Related Neuronal Ceroid-Lipofuscinosis; CEROID LIPOFUSCINOSIS, NEURONAL, 1, VARIABLE AGE AT ONSET. Identifiers: Orphanet 228329, MedGen C1850451, MONDO:0009744, OMIM 256730.

Allele frequency attached by ClinVar (database versions not stated): ExAC 0.00001.
gnomAD v4.1: 3 of 1,614,050 alleles (0.00019%); highest among the groups gnomAD compares: East Asian, 0.0022%; no homozygotes.

Submission:

Labcorp Genetics (formerly Invitae), Labcorp
Classification: Uncertain significance for Neuronal ceroid lipofuscinosis 1. Last evaluated: 2022-07-06. Review status: criteria provided, single submitter. Criteria: Invitae Variant Classification Sherloc (09022015). Collection method: clinical testing. Allele origin: germline.
Comment: This sequence change replaces tryptophan, which is neutral and slightly polar, with arginine, which is basic and polar, at codon 17 of the PPT1 protein (p.Trp17Arg). This variant is present in population databases (rs775853398, gnomAD 0.003%). This variant has not been reported in the literature in individuals affected with PPT1-related conditions. ClinVar contains an entry for this variant (Variation ID: 1357427). Advanced modeling of protein sequence and biophysical properties (such as structural, functional, and spatial information, amino acid conservation, physicochemical variation, residue mobility, and thermodynamic stability) performed at Invitae indicates that this missense variant is not expected to disrupt PPT1 protein function. In summary, the available evidence is currently insufficient to determine the role of this variant in disease. Therefore, it has been classified as a Variant of Uncertain Significance.